The following is an entry in ClinVar:

NM_025207.5(FLAD1):c.1538G>A (p.Arg513His)

Gene: FLAD1 (flavin adenine dinucleotide synthetase 1; plus strand). Cytogenetic location: 1q21.3.
Variant type: single nucleotide variant.
Coding change: c.1538G>A on transcript NM_025207.5 (MANE Select); coding-DNA position 1538, G replaced by A.
Protein change: p.Arg513His; replaces arginine 513 with histidine.
Molecular consequence: missense variant.
Genome position (GRCh38, 1-based): chr1:154,990,512, G>A. VCF-style: chr1-154990512-G-A. GRCh37 (hg19) VCF-style: chr1-154962988-G-A.
Other names: c.1247G>A, p.Arg416His (NM_001184891.2, NM_201398.3); short protein forms R513H, R416H.
Identifiers: ClinVar variation 2974905 (VCV002974905.3), dbSNP rs1449953245, ClinGen allele CA342752994.

ClinVar aggregate classification (germline): Uncertain significance (1 of 4 stars; one submission).

Allele frequency attached by ClinVar (database versions not stated): gnomAD exomes 0.00001; TOPMed 0.00001.

Submission:

Labcorp Genetics (formerly Invitae), Labcorp
Classification: Uncertain significance. Last evaluated: 2022-12-07. Review status: criteria provided, single submitter. Criteria: Invitae Variant Classification Sherloc (09022015). Collection method: clinical testing. Allele origin: germline.
Comment: This sequence change replaces arginine, which is basic and polar, with histidine, which is basic and polar, at codon 513 of the FLAD1 protein (p.Arg513His). In summary, the available evidence is currently insufficient to determine the role of this variant in disease. Therefore, it has been classified as a Variant of Uncertain Significance. Algorithms developed to predict the effect of missense changes on protein structure and function are either unavailable or do not agree on the potential impact of this missense change (SIFT: "Deleterious"; PolyPhen-2: "Probably Damaging"; Align-GVGD: "Class C0"). This variant has not been reported in the literature in individuals affected with FLAD1-related conditions. The frequency data for this variant in the population databases is considered unreliable, as metrics indicate poor data quality at this position in the gnomAD database.